The following is an entry in ClinVar:

ClinVar aggregate classification (germline): Uncertain significance (1 of 4 stars; one submission).

Allele frequency attached by ClinVar (database versions not stated): gnomAD 0.00001; TOPMed 0.00001; gnomAD exomes 0.00002; ExAC 0.00003; ESP Exome Variant Server 0.00008.
gnomAD v4.1: 29 of 1,595,952 alleles (0.0018%); highest among the groups gnomAD compares: South Asian, 0.029%; no homozygotes.

Submission:

Labcorp Genetics (formerly Invitae), Labcorp
Classification: Uncertain significance. Last evaluated: 2025-06-03. Review status: criteria provided, single submitter. Criteria: Invitae Variant Classification Sherloc (09022015). Collection method: clinical testing. Allele origin: germline.
Comment: This sequence change falls in intron 17 of the PPP1R12A gene. It does not directly change the encoded amino acid sequence of the PPP1R12A protein. It affects a nucleotide within the consensus splice site. This variant is present in population databases (rs367582961, gnomAD 0.02%). This variant has not been reported in the literature in individuals affected with PPP1R12A-related conditions. ClinVar contains an entry for this variant (Variation ID: 2414575). Variants that disrupt the consensus splice site are a relatively common cause of aberrant splicing (PMID: 17576681, 9536098). Algorithms developed to predict the effect of sequence changes on RNA splicing suggest that this variant is not likely to affect RNA splicing. In summary, the available evidence is currently insufficient to determine the role of this variant in disease. Therefore, it has been classified as a Variant of Uncertain Significance.

Literature cited by the submitters: PubMed 17576681; PubMed 9536098.

NM_002480.3(PPP1R12A):c.2293-3C>T

Gene: PPP1R12A (protein phosphatase 1 regulatory subunit 12A; minus strand). Cytogenetic location: 12q21.2.
Variant type: single nucleotide variant.
Coding change: c.2293-3C>T on transcript NM_002480.3 (MANE Select); 3 bases into the intron before coding-DNA position 2293, C replaced by T.
Molecular consequence: intron variant.
Genome position (GRCh38, 1-based): chr12:79,796,953, G>A on the plus strand (C>T on the coding strand, the complement: PPP1R12A is on the minus strand). VCF-style: chr12-79796953-G-A. GRCh37 (hg19) VCF-style: chr12-80190733-G-A.
Other names: c.2125-3C>T (NM_001244992.1); c.2293-3C>T (NM_001244990.2, NM_001143885.2); c.2032-3C>T (NM_001143886.2).
Identifiers: ClinVar variation 2414575 (VCV002414575.6), dbSNP rs367582961, ClinGen allele CA6699467.